The following is an entry in ClinVar:

NM_201384.3(PLEC):c.4226T>C (p.Val1409Ala)

Gene: PLEC (plectin; minus strand). Cytogenetic location: 8q24.3.
Variant type: single nucleotide variant.
Coding change: c.4226T>C on transcript NM_201384.3 (MANE Select); coding-DNA position 4226, T replaced by C.
Protein change: p.Val1409Ala; replaces valine 1409 with alanine.
Molecular consequence: missense variant.
Genome position (GRCh38, 1-based): chr8:143,925,703, A>G on the plus strand (T>C on the coding strand, the complement: PLEC is on the minus strand). VCF-style: chr8-143925703-A-G. GRCh37 (hg19) VCF-style: chr8-144999871-A-G.
Other names: c.4307T>C, p.Val1436Ala (NM_000445.5); c.4184T>C, p.Val1395Ala (NM_201378.4); c.4160T>C, p.Val1387Ala (NM_201379.3); c.4637T>C, p.Val1546Ala (NM_201380.4); c.4130T>C, p.Val1377Ala (NM_201381.3); c.4226T>C, p.Val1409Ala (NM_201382.4); c.4238T>C, p.Val1413Ala (NM_201383.3); short protein forms V1395A, V1387A, V1546A, V1377A, V1413A, V1436A, V1409A.
Identifiers: ClinVar variation 1413696 (VCV001413696.6), dbSNP rs1554703722, ClinGen allele CA372560299.

ClinVar aggregate classification (germline): Uncertain significance (1 of 4 stars; one submission).

Conditions:
Epidermolysis bullosa simplex 5B, with muscular dystrophy (EBS5B). Also called: EPIDERMOLYSIS BULLOSA SIMPLEX AND LIMB-GIRDLE MUSCULAR DYSTROPHY; Epidermolysis bullosa simplex with muscular dystrophy. Identifiers: Orphanet 257, MedGen C2931072, MONDO:0009181, OMIM 226670.
Epidermolysis bullosa simplex, Ogna type (EBS5A). Also called: EPIDERMOLYSIS BULLOSA SIMPLEX 5A, OGNA TYPE; Pidermolysis bullosa simplex 5A, Ogna type. Identifiers: Orphanet 79401, MedGen C0432317, MONDO:0007555, OMIM 131950.
Epidermolysis bullosa simplex with nail dystrophy (EBS5D). Identifiers: MedGen C4225309, MONDO:0014661, OMIM 616487.
Autosomal recessive limb-girdle muscular dystrophy type 2Q (LGMDR17). Also called: MUSCULAR DYSTROPHY, LIMB-GIRDLE, AUTOSOMAL RECESSIVE 17. Identifiers: Orphanet 254361, MedGen C3150989, MONDO:0013390, OMIM 613723.
Epidermolysis bullosa simplex 5C, with pyloric atresia (EBS5C). Also called: Epidermolysis bullosa simplex with pyloric atresia; PLEC-Related Epidermolysis Bullosa with Pyloric Atresia; PLEC1-Related Epidermolysis Bullosa with Pyloric Atresia. Identifiers: Orphanet 158684, MedGen C2677349, MONDO:0012807, OMIM 612138.

Allele frequency attached by ClinVar (database versions not stated): gnomAD exomes below 0.00001.
gnomAD v4.1: 3 of 1,586,540 alleles (0.00019%); highest among the groups gnomAD compares: Non-Finnish European, 0.00026%; no homozygotes.

Submission:

Labcorp Genetics (formerly Invitae), Labcorp
Classification: Uncertain significance for Autosomal recessive limb-girdle muscular dystrophy type 2Q; Epidermolysis bullosa simplex, Ogna type; Epidermolysis bullosa simplex with nail dystrophy; Epidermolysis bullosa simplex 5C, with pyloric atresia; Epidermolysis bullosa simplex 5B, with muscular dystrophy. Last evaluated: 2022-05-27. Review status: criteria provided, single submitter. Criteria: Invitae Variant Classification Sherloc (09022015). Collection method: clinical testing. Allele origin: germline.
Comment: In summary, the available evidence is currently insufficient to determine the role of this variant in disease. Therefore, it has been classified as a Variant of Uncertain Significance. Algorithms developed to predict the effect of missense changes on protein structure and function are either unavailable or do not agree on the potential impact of this missense change (SIFT: "Deleterious"; PolyPhen-2: "Not Available"; Align-GVGD: "Class C55"). This variant has not been reported in the literature in individuals affected with PLEC-related conditions. This variant is not present in population databases (gnomAD no frequency). This sequence change replaces valine, which is neutral and non-polar, with alanine, which is neutral and non-polar, at codon 1436 of the PLEC protein (p.Val1436Ala).